The following is an entry in ClinVar:

ClinVar aggregate classification (germline): Benign (1 of 4 stars; one submission).

Allele frequency attached by ClinVar (database versions not stated): gnomAD 0.67590 and 0.68093; TOPMed 0.68760; 1000 Genomes Project 30x 0.70066; gnomAD exomes 0.70232; 1000 Genomes Project 0.70447.
gnomAD v4.1: 989,044 of 1,412,218 alleles (70%); highest among the groups gnomAD compares: East Asian, 81%; 347,777 homozygotes.

Submission:

GeneDx
Classification: Benign. Last evaluated: 2018-06-15. Review status: criteria provided, single submitter. Criteria: GeneDx Variant Classification (06012015). Collection method: clinical testing. Allele origin: germline. Affected: yes.
Comment: This variant is considered likely benign or benign based on one or more of the following criteria: it is a conservative change, it occurs at a poorly conserved position in the protein, it is predicted to be benign by multiple in silico algorithms, and/or has population frequency not consistent with disease.

NM_004415.4(DSP):c.3085-115C>T

Gene: DSP (desmoplakin; plus strand). Cytogenetic location: 6p24.3.
Variant type: single nucleotide variant.
Coding change: c.3085-115C>T on transcript NM_004415.4 (MANE Select); 115 bases into the intron before coding-DNA position 3085, C replaced by T.
Molecular consequence: intron variant.
Genome position (GRCh38, 1-based): chr6:7,579,160, C>T. VCF-style: chr6-7579160-C-T. GRCh37 (hg19) VCF-style: chr6-7579393-C-T.
Other names: c.3085-115C>T (NM_001319034.2, NM_001008844.3).
Identifiers: ClinVar variation 672150 (VCV000672150.1), dbSNP rs2744379, ClinGen allele CA15430617.